The following is an entry in ClinVar:

ClinVar aggregate classification (germline): Pathogenic/Likely pathogenic. Review status: criteria provided, multiple submitters, no conflicts (2 of 4 stars). 2 submissions from 2 submitters: Pathogenic (1); Likely pathogenic (1). Last evaluated 2023-07-10.

Conditions:
Glycogen storage disease, type V (GSD5). Also called: McArdle type glycogen storage disease; MCARDLE DISEASE; MUSCLE GLYCOGEN PHOSPHORYLASE DEFICIENCY; MYOPHOSPHORYLASE DEFICIENCY; PYGM DEFICIENCY. Identifiers: Orphanet 368, MedGen C0017924, MONDO:0009293, OMIM 232600.

Submissions (2):

3billion
Classification: Pathogenic for Glycogen storage disease, type V. Last evaluated: 2023-07-10. Review status: criteria provided, single submitter. Criteria: ACMG Guidelines, 2015. Collection method: clinical testing. Allele origin: germline. Affected: yes.
Comment: The variant is not observed in the gnomAD v2.1.1 dataset. Predicted Consequence/Location: Frameshift: predicted to result in a loss or disruption of normal protein function through nonsense-mediated decay (NMD) or protein truncation. Multiple pathogenic variants are reported downstream of the variant. Therefore, this variant is classified as Pathogenic according to the recommendation of ACMG/AMP guideline.

Baylor Genetics
Classification: Likely pathogenic for Glycogen storage disease, type V. Last evaluated: 2023-02-10. Review status: criteria provided, single submitter. Criteria: ACMG Guidelines, 2015. Collection method: clinical testing. Allele origin: unknown.

NM_005609.4(PYGM):c.580del (p.Arg194fs)

Gene: PYGM (glycogen phosphorylase, muscle associated; minus strand). Cytogenetic location: 11q13.1.
Variant type: Deletion.
Coding change: c.580del on transcript NM_005609.4 (MANE Select); coding-DNA position 580, one base deleted (C; older notation c.580delC).
Protein change: p.Arg194fs; shifts the reading frame from arginine 194.
Molecular consequence: frameshift variant.
Genome position (GRCh38, 1-based): chr11:64,757,859, G deleted on the plus strand (C on the coding strand, the reverse complement: PYGM is on the minus strand); the first of 3 consecutive G bases (chr11:64,757,859-64,757,861); deleting any one gives the same sequence. VCF-style (leftmost placement, unchanged base first): chr11-64757858-CG-C. GRCh37 (hg19) VCF-style: chr11-64525330-CG-C.
Other names: c.316del, p.Arg106fs (NM_001164716.1); short protein forms R106fs, R194fs.
Identifiers: ClinVar variation 2678135 (VCV002678135.2), dbSNP rs2496668596, ClinGen allele CA2695198898.